The following is an entry in ClinVar:

ClinVar aggregate classification (germline): Uncertain significance (1 of 4 stars; one submission).

Allele frequency attached by ClinVar (database versions not stated): gnomAD exomes below 0.00001.
gnomAD v4.1: 1 of 1,614,014 alleles (0.000062%); highest among the groups gnomAD compares: East Asian, 0.0022%; no homozygotes.

Submission:

Ambry Genetics
Classification: Uncertain significance. Last evaluated: 2022-09-11. Review status: criteria provided, single submitter. Criteria: Ambry Variant Classification Scheme 2023. Collection method: clinical testing. Allele origin: germline.
Comment: The p.Q568R variant (also known as c.1703A>G), located in coding exon 17 of the KIF1B gene, results from an A to G substitution at nucleotide position 1703. The glutamine at codon 568 is replaced by arginine, an amino acid with highly similar properties. This amino acid position is conserved. In addition, the in silico prediction for this alteration is inconclusive. Since supporting evidence is limited at this time, the clinical significance of this alteration remains unclear.

NM_001365951.3(KIF1B):c.1841A>G (p.Gln614Arg)

Gene: KIF1B (kinesin family member 1B; plus strand). Cytogenetic location: 1p36.22.
Variant type: single nucleotide variant.
Coding change: c.1841A>G on transcript NM_001365951.3 (MANE Select); coding-DNA position 1841, A replaced by G.
Protein change: p.Gln614Arg; replaces glutamine 614 with arginine.
Molecular consequence: missense variant.
Genome position (GRCh38, 1-based): chr1:10,296,645, A>G. VCF-style: chr1-10296645-A-G. GRCh37 (hg19) VCF-style: chr1-10356703-A-G.
Other names: c.1841A>G, p.Gln614Arg (NM_001365952.1); c.1703A>G, p.Gln568Arg (NM_001365953.1, NM_015074.3, NM_183416.4); short protein forms Q568R, Q614R.
Identifiers: ClinVar variation 1778386 (VCV001778386.2), dbSNP rs2521397983, ClinGen allele CA338316051.